The following is an entry in ClinVar:

NM_000321.3(RB1):c.1422-2A>C

Gene: RB1 (RB transcriptional corepressor 1; plus strand). Cytogenetic location: 13q14.2.
Variant type: single nucleotide variant.
Coding change: c.1422-2A>C on transcript NM_000321.3 (MANE Select); the canonical splice acceptor site of the intron before coding-DNA position 1422, A replaced by C.
Molecular consequence: splice acceptor variant.
Genome position (GRCh38, 1-based): chr13:48,380,163, A>C. VCF-style: chr13-48380163-A-C. GRCh37 (hg19) VCF-style: chr13-48954299-A-C.
Other names: c.1422-2A>C (NM_001407165.1, NM_001407166.1).
Identifiers: ClinVar variation 3236984 (VCV003236984.1), dbSNP rs1395304450.

ClinVar aggregate classification (germline): Pathogenic (1 of 4 stars; one submission).

Conditions:
Retinoblastoma (RB1). Also called: RETINOBLASTOMA, SOMATIC. Identifiers: Orphanet 790, MedGen C0035335, MeSH D012175, MONDO:0008380, OMIM 180200, HP:0009919. Disease mechanism: loss of function. Inheritance: Both sporadic and heritable forms are tested..

Submission:

Genetic Diagnostic Laboratory, University of Pennsylvania School of Medicine
Classification: Pathogenic for Retinoblastoma. Last evaluated: 2024-05-20. Review status: criteria provided, single submitter. Criteria: ACMG Guidelines, 2015. Collection method: clinical testing. Allele origin: germline. Affected: yes. Observed: 1 variant allele.
Comment: Case and Pedigree Information: BILATERAL CASES:1, UNILATERAL CASES:0, TOTAL CASES:1, PEDIGREES:1. ACMG Codes Applied:PVS1, PM2